The following is an entry in ClinVar:

NM_016038.4(SBDS):c.108C>T (p.Val36=)

Gene: SBDS (SBDS ribosome maturation factor; minus strand). Cytogenetic location: 7q11.21.
Variant type: single nucleotide variant.
Coding change: c.108C>T on transcript NM_016038.4 (MANE Select); coding-DNA position 108, C replaced by T.
Protein change: p.Val36=; no amino-acid change (valine 36 retained).
Molecular consequence: synonymous variant.
Genome position (GRCh38, 1-based): chr7:66,995,310, G>A on the plus strand (C>T on the coding strand, the complement: SBDS is on the minus strand). VCF-style: chr7-66995310-G-A. GRCh37 (hg19) VCF-style: chr7-66460297-G-A.
Other names: c.108C>T (LRG_104t1).
Identifiers: ClinVar variation 508133 (VCV000508133.1), dbSNP rs1009037678, ClinGen allele CA159927549.
Genomic context (GRCh38, chr7:66,995,310, plus strand): 5'-CTCAGGCCCAGGCCCAGGCCCGAGGGAGGGGGCTACTCACACGCCGCTCCGCCAGCCGAC[G>A]ACCTTGTTTTTGTAGCAGGCGATTTCGAAGCGCTTCCCGGCACGCTTCATCCGTACCACG-3'
Protein context (NP_057122.2, residues 26-46): RFEIACYKNK[Val36=]VGWRSGVEKD

ClinVar aggregate classification (germline): Likely benign (1 of 4 stars; one submission).

Allele frequency attached by ClinVar (database versions not stated): gnomAD exomes 0.00001; gnomAD 0.00004; TOPMed 0.00018.
gnomAD v4.1: 19 of 1,613,880 alleles (0.0012%); highest among the groups gnomAD compares: Admixed American, 0.02%; no homozygotes.

Submission:

GeneDx
Classification: Likely benign. Last evaluated: 2017-03-10. Review status: criteria provided, single submitter. Criteria: GeneDx Variant Classification (06012015). Collection method: clinical testing. Allele origin: germline. Affected: yes.
Comment: This variant is considered likely benign or benign based on one or more of the following criteria: it is a conservative change, it occurs at a poorly conserved position in the protein, it is predicted to be benign by multiple in silico algorithms, and/or has population frequency not consistent with disease.